The following is an entry in ClinVar:

NM_198834.3(ACACA):c.5752A>G (p.Thr1918Ala)

Gene: ACACA (acetyl-CoA carboxylase alpha; minus strand). Cytogenetic location: 17q12.
Variant type: single nucleotide variant.
Coding change: c.5752A>G on transcript NM_198834.3 (MANE Select); coding-DNA position 5752, A replaced by G.
Protein change: p.Thr1918Ala; replaces threonine 1918 with alanine.
Molecular consequence: missense variant.
Genome position (GRCh38, 1-based): chr17:37,130,146, T>C on the plus strand (A>G on the coding strand, the complement: ACACA is on the minus strand). VCF-style: chr17-37130146-T-C. GRCh37 (hg19) VCF-style: chr17-35487072-T-C.
Other names: c.5641A>G, p.Thr1881Ala (NM_198836.3, NM_198839.3); c.5467A>G, p.Thr1823Ala (NM_198837.2); c.5407A>G, p.Thr1803Ala (NM_198838.2); short protein forms T1803A, T1881A, T1918A, T1823A.
Identifiers: ClinVar variation 3643480 (VCV003643480.2).

ClinVar aggregate classification (germline): Uncertain significance (1 of 4 stars; one submission).

Submission:

Labcorp Genetics (formerly Invitae), Labcorp
Classification: Uncertain significance. Last evaluated: 2024-04-22. Review status: criteria provided, single submitter. Criteria: Invitae Variant Classification Sherloc (09022015). Collection method: clinical testing. Allele origin: germline.
Comment: This sequence change replaces threonine, which is neutral and polar, with alanine, which is neutral and non-polar, at codon 1881 of the ACACA protein (p.Thr1881Ala). This variant is not present in population databases (gnomAD no frequency). This variant has not been reported in the literature in individuals affected with ACACA-related conditions. An algorithm developed to predict the effect of missense changes on protein structure and function (PolyPhen-2) suggests that this variant is likely to be tolerated. In summary, the available evidence is currently insufficient to determine the role of this variant in disease. Therefore, it has been classified as a Variant of Uncertain Significance.